The following is an entry in ClinVar:

ClinVar aggregate classification (germline): Pathogenic (1 of 4 stars; one submission).

Conditions:
Autism spectrum disorder. Also called: Autism spectrum disorders. Identifiers: MedGen C1510586, MeSH D000067877, MONDO:0005258.

Submission:

Victorian Clinical Genetics Services, Murdoch Childrens Research Institute
Classification: Pathogenic for Autism spectrum disorder. Last evaluated: 2024-10-09. Review status: criteria provided, single submitter. Criteria: ACMG Guidelines, 2015. Collection method: clinical testing. Allele origin: germline. Affected: yes.
Comment: This variant is classified as Pathogenic. Evidence in support of pathogenic classification: Variant is predicted to cause nonsense-mediated decay (NMD) and loss of protein (premature termination codon is located at least 54 nucleotides upstream of the final exon-exon junction); Variant is absent from gnomAD (v2, v3 and v4); Other NMD-predicted variant(s) comparable to the one identified in this case have very strong previous evidence for pathogenicity (DECIPHER, PMID: 35917186). Additional information: This variant is heterozygous; This gene is associated with autosomal dominant disease; This variant has no previous evidence of pathogenicity; No published segregation evidence has been identified for this variant; No published functional evidence has been identified for this variant; Loss of function is a known mechanism of disease in this gene and is associated with autism spectrum disorder (MONDO:0005258), GIGYF1-related; The condition associated with this gene has incomplete penetrance. A pathogenic variant in this gene has been reported to be inherited from unaffected parents in several families (PMID: 35917186); Inheritance information for this variant is not currently available in this individual.

Literature cited by the submitters: PubMed 35917186.

NM_001375765.1(GIGYF1):c.1012del (p.Glu338fs)

Gene: GIGYF1 (GRB10 interacting GYF protein 1; minus strand). Cytogenetic location: 7q22.1.
Variant type: Deletion.
Coding change: c.1012del on transcript NM_001375765.1 (MANE Select); coding-DNA position 1012, one base deleted (G; older notation c.1012delG).
Protein change: p.Glu338fs; shifts the reading frame from glutamic acid 338.
Molecular consequence: frameshift variant. On other transcripts: non-coding transcript variant (1).
Genome position (GRCh38, 1-based): chr7:100,686,016, C deleted on the plus strand (G on the coding strand, the reverse complement: GIGYF1 is on the minus strand); the first of 2 consecutive C bases (chr7:100,686,016-100,686,017); deleting either gives the same sequence. VCF-style (leftmost placement, unchanged base first): chr7-100686015-TC-T. GRCh37 (hg19) VCF-style: chr7-100283638-TC-T.
Other names: c.1012del, p.Glu338fs (NM_001375759.1, NM_001375760.1, NM_001375761.1 and 6 more transcripts); short protein forms E338fs.
Identifiers: ClinVar variation 4532041 (VCV004532041.1).
Genomic context (GRCh38, chr7:100,686,015, plus strand): 5'-TGGGCACCCCGCGGCTCACCTGCCTCAGGCCCTTCCTCCTCTAGCCCTTCGGAAGGTTCC[TC>T]CTCCTCCTCCAACCCTTGGAAGTCCAGCTCCTGCTCCTCAGGAATGGGCTCCTTGGGGCC-3'